The following is an entry in ClinVar:

NM_001621.5(AHR):c.1603A>G (p.Lys535Glu)

Gene: AHR (aryl hydrocarbon receptor; plus strand). Cytogenetic location: 7p21.1.
Variant type: single nucleotide variant.
Coding change: c.1603A>G on transcript NM_001621.5 (MANE Select); coding-DNA position 1603, A replaced by G.
Protein change: p.Lys535Glu; replaces lysine 535 with glutamic acid.
Molecular consequence: missense variant.
Genome position (GRCh38, 1-based): chr7:17,339,428, A>G. VCF-style: chr7-17339428-A-G. GRCh37 (hg19) VCF-style: chr7-17379052-A-G.
Other names: c.1603A>G (NM_001621.4); short protein forms K535E.
Identifiers: ClinVar variation 2112013 (VCV002112013.5), dbSNP rs1264038414, ClinGen allele CA366894601.

ClinVar aggregate classification (germline): Uncertain significance. Review status: criteria provided, multiple submitters, no conflicts (2 of 4 stars). 2 submissions from 2 submitters: Uncertain significance (2). Last evaluated 2024-02-13.

Allele frequency attached by ClinVar (database versions not stated): gnomAD exomes below 0.00001; TOPMed below 0.00001.
gnomAD v4.1: 1 of 1,614,222 alleles (0.000062%); highest among the groups gnomAD compares: South Asian, 0.0011%; no homozygotes.

Submissions (2):

Ambry Genetics
Classification: Uncertain significance. Last evaluated: 2024-02-13. Review status: criteria provided, single submitter. Criteria: Ambry Variant Classification Scheme 2023. Collection method: clinical testing. Allele origin: germline.

Labcorp Genetics (formerly Invitae), Labcorp
Classification: Uncertain significance. Last evaluated: 2022-08-22. Review status: criteria provided, single submitter. Criteria: Invitae Variant Classification Sherloc (09022015). Collection method: clinical testing. Allele origin: germline.
Comment: This sequence change replaces lysine, which is basic and polar, with glutamic acid, which is acidic and polar, at codon 535 of the AHR protein (p.Lys535Glu). In summary, the available evidence is currently insufficient to determine the role of this variant in disease. Therefore, it has been classified as a Variant of Uncertain Significance. Algorithms developed to predict the effect of missense changes on protein structure and function (SIFT, PolyPhen-2, Align-GVGD) all suggest that this variant is likely to be tolerated. This variant has not been reported in the literature in individuals affected with AHR-related conditions. This variant is present in population databases (no rsID available, gnomAD 0.003%).